The following is an entry in ClinVar:

NM_001367624.2(ZNF469):c.1420C>T (p.Leu474Phe)

Gene: ZNF469 (zinc finger protein 469; plus strand). Cytogenetic location: 16q24.2.
Variant type: single nucleotide variant.
Coding change: c.1420C>T on transcript NM_001367624.2 (MANE Select); coding-DNA position 1420, C replaced by T.
Protein change: p.Leu474Phe; replaces leucine 474 with phenylalanine.
Molecular consequence: missense variant.
Genome position (GRCh38, 1-based): chr16:88,428,890, C>T. VCF-style: chr16-88428890-C-T. GRCh37 (hg19) VCF-style: chr16-88495298-C-T.
Other names: short protein forms L474F.
Identifiers: ClinVar variation 3630095 (VCV003630095.2).

ClinVar aggregate classification (germline): Uncertain significance (1 of 4 stars; one submission).

gnomAD v4.1: 1 of 1,547,642 alleles (0.000065%); highest among the groups gnomAD compares: Admixed American, 0.002%; no homozygotes.

Submission:

Labcorp Genetics (formerly Invitae), Labcorp
Classification: Uncertain significance. Last evaluated: 2024-03-23. Review status: criteria provided, single submitter. Criteria: Invitae Variant Classification Sherloc (09022015). Collection method: clinical testing. Allele origin: germline.
Comment: This sequence change replaces leucine, which is neutral and non-polar, with phenylalanine, which is neutral and non-polar, at codon 474 of the ZNF469 protein (p.Leu474Phe). This variant is not present in population databases (gnomAD no frequency). This variant has not been reported in the literature in individuals affected with ZNF469-related conditions. Algorithms developed to predict the effect of missense changes on protein structure and function output the following: SIFT: "Not Available"; PolyPhen-2: "Probably Damaging"; Align-GVGD: "Not Available". The phenylalanine amino acid residue is found in multiple mammalian species, which suggests that this missense change does not adversely affect protein function. In summary, the available evidence is currently insufficient to determine the role of this variant in disease. Therefore, it has been classified as a Variant of Uncertain Significance.